The following is an entry in ClinVar:

NM_020533.3(MCOLN1):c.917_918del (p.Ile306fs)

Gene: MCOLN1 (mucolipin TRP cation channel 1; plus strand). Cytogenetic location: 19p13.2.
Variant type: Deletion.
Coding change: c.917_918del on transcript NM_020533.3 (MANE Select); coding-DNA positions 917 to 918, 2 bases deleted (TC; older notation c.917_918delTC).
Protein change: p.Ile306fs; shifts the reading frame from isoleucine 306.
Molecular consequence: frameshift variant.
Genome position (GRCh38, 1-based): chr19:7,528,636-7,528,637, TC deleted. VCF-style (leftmost placement, unchanged base first): chr19-7528635-ATC-A. GRCh37 (hg19) VCF-style: chr19-7593521-ATC-A.
Other names: short protein forms I306fs.
Identifiers: ClinVar variation 5011704 (VCV005011704.1).

ClinVar aggregate classification (germline): Pathogenic (1 of 4 stars; one submission).

Conditions:
Mucolipidosis type IV (ML4). Also called: ML IV. Identifiers: Orphanet 578, MedGen C0238286, MONDO:0009653, OMIM 252650.

Submission:

Myriad Genetics, Inc.
Classification: Pathogenic for Mucolipidosis type IV. Last evaluated: 2023-09-21. Review status: criteria provided, single submitter. Criteria: Myriad Autosomal Dominant, Autosomal Recessive and X-Linked Classification Criteria (2023). Collection method: clinical testing. Allele origin: unknown.
Comment: NM_020533.2(MCOLN1):c.917_918delTC(I306Tfs*156) is expected to be pathogenic in the context of mucolipidosis IV. This variant is predicted to lead to an abnormal or absent protein product due to the creation of a premature termination codon in MCOLN1, a gene where loss-of-function variants are known to be pathogenic. Please note: this variant was assessed in the context of healthy population screening.